The following is an entry in ClinVar:

ClinVar aggregate classification (germline): Uncertain significance (1 of 4 stars; one submission).

Conditions:
Cardiovascular phenotype. Identifiers: MedGen CN230736.

Submission:

Ambry Genetics
Classification: Uncertain significance for Cardiovascular phenotype. Last evaluated: 2024-11-03. Review status: criteria provided, single submitter. Criteria: Ambry Variant Classification Scheme 2023. Collection method: clinical testing. Allele origin: germline.
Comment: The p.E995A variant (also known as c.2984A>C), located in coding exon 24 of the JAG1 gene, results from an A to C substitution at nucleotide position 2984. The glutamic acid at codon 995 is replaced by alanine, an amino acid with dissimilar properties. This amino acid position is conserved. In addition, this alteration is predicted to be deleterious by in silico analysis. Based on the available evidence, the clinical significance of this variant remains unclear.

NM_000214.3(JAG1):c.2984A>C (p.Glu995Ala)

Gene: JAG1 (jagged canonical Notch ligand 1; minus strand). Cytogenetic location: 20p12.2.
Variant type: single nucleotide variant.
Coding change: c.2984A>C on transcript NM_000214.3 (MANE Select); coding-DNA position 2984, A replaced by C.
Protein change: p.Glu995Ala; replaces glutamic acid 995 with alanine.
Molecular consequence: missense variant.
Genome position (GRCh38, 1-based): chr20:10,641,177, T>G on the plus strand (A>C on the coding strand, the complement: JAG1 is on the minus strand). VCF-style: chr20-10641177-T-G. GRCh37 (hg19) VCF-style: chr20-10621825-T-G.
Other names: short protein forms E995A.
Identifiers: ClinVar variation 3531194 (VCV003531194.1).
Genomic context (GRCh38, chr20:10,641,177, plus strand): 5'-GCCACATGTATTTCATTGTTCGCTGAAGGGGAAGGCTCGCAAGCGATGTAGATTGAATAT[T>G]CAGCGGAAACATTCTTCAAAATATTCAAATTCCTCAATTCACTGCAAATGTGCTCCGTAG-3'
Protein context (NP_000205.1, residues 985-1005): NLNILKNVSA[Glu995Ala]YSIYIACEPS